The following is an entry in ClinVar:

ClinVar aggregate classification (germline): Uncertain significance. Review status: criteria provided, multiple submitters, no conflicts (2 of 4 stars). 2 submissions from 2 submitters: Uncertain significance (2). Last evaluated 2024-11-30.

Allele frequency attached by ClinVar (database versions not stated): ExAC 0.00008; TOPMed 0.00017; ESP Exome Variant Server 0.00031.

Submissions (2):

Labcorp Genetics (formerly Invitae), Labcorp
Classification: Uncertain significance. Last evaluated: 2024-11-30. Review status: criteria provided, single submitter. Criteria: Invitae Variant Classification Sherloc (09022015). Collection method: clinical testing. Allele origin: germline.
Comment: This sequence change replaces arginine, which is basic and polar, with glutamine, which is neutral and polar, at codon 626 of the ANKZF1 protein (p.Arg626Gln). This variant is present in population databases (rs376170556, gnomAD 0.08%), and has an allele count higher than expected for a pathogenic variant. This variant has not been reported in the literature in individuals affected with ANKZF1-related conditions. ClinVar contains an entry for this variant (Variation ID: 2421341). An algorithm developed to predict the effect of missense changes on protein structure and function (PolyPhen-2) suggests that this variant is likely to be disruptive. In summary, the available evidence is currently insufficient to determine the role of this variant in disease. Therefore, it has been classified as a Variant of Uncertain Significance.

Ambry Genetics
Classification: Uncertain significance. Last evaluated: 2024-02-14. Review status: criteria provided, single submitter. Criteria: Ambry Variant Classification Scheme 2023. Collection method: clinical testing. Allele origin: germline.

NM_018089.3(ANKZF1):c.1877G>A (p.Arg626Gln)

Gene: ANKZF1 (ankyrin repeat and zinc finger peptidyl tRNA hydrolase 1; plus strand). Cytogenetic location: 2q35.
Variant type: single nucleotide variant.
Coding change: c.1877G>A on transcript NM_018089.3 (MANE Select); coding-DNA position 1877, G replaced by A.
Protein change: p.Arg626Gln; replaces arginine 626 with glutamine.
Molecular consequence: missense variant.
Genome position (GRCh38, 1-based): chr2:219,235,781, G>A. VCF-style: chr2-219235781-G-A. GRCh37 (hg19) VCF-style: chr2-220100503-G-A.
Other names: c.1877G>A, p.Arg626Gln (NM_001042410.2); c.1247G>A, p.Arg416Gln (NM_001282792.2); c.1877G>A (NM_018089.2); short protein forms R416Q, R626Q.
Identifiers: ClinVar variation 2421341 (VCV002421341.7), dbSNP rs376170556, ClinGen allele CA2121213.